The following is an entry in ClinVar:

ClinVar aggregate classification (germline): Uncertain significance (1 of 4 stars; one submission).

Conditions:
Arrhythmogenic right ventricular dysplasia 11. Also called: ARRHYTHMOGENIC RIGHT VENTRICULAR DYSPLASIA, FAMILIAL, 11; Arrhythmogenic Right Ventricular Dysplasia/Cardiomyopathy11; Arrhythmogenic right ventricular dysplasia 11 with mild palmoplantar keratoderma and woolly hair. Identifiers: MedGen C1864850, MONDO:0012506, OMIM 610476.

gnomAD v4.1: 1 of 1,613,690 alleles (0.000062%); highest among the groups gnomAD compares: African/African-American, 0.0013%; no homozygotes.

Submission:

Labcorp Genetics (formerly Invitae), Labcorp
Classification: Uncertain significance for Arrhythmogenic right ventricular dysplasia 11. Last evaluated: 2025-08-05. Review status: criteria provided, single submitter. Criteria: Invitae Variant Classification Sherloc (09022015). Collection method: clinical testing. Allele origin: germline.
Comment: This sequence change replaces glycine, which is neutral and non-polar, with aspartic acid, which is acidic and polar, at codon 402 of the DSC2 protein (p.Gly402Asp). This variant is not present in population databases (gnomAD no frequency). This variant has not been reported in the literature in individuals affected with DSC2-related conditions. ClinVar contains an entry for this variant (Variation ID: 3682472). Invitae Evidence Modeling of protein sequence and biophysical properties (such as structural, functional, and spatial information, amino acid conservation, physicochemical variation, residue mobility, and thermodynamic stability) indicates that this missense variant is expected to disrupt DSC2 protein function with a positive predictive value of 80%. In summary, the available evidence is currently insufficient to determine the role of this variant in disease. Therefore, it has been classified as a Variant of Uncertain Significance.

NM_024422.6(DSC2):c.1205G>A (p.Gly402Asp)

Gene: DSC2 (desmocollin 2; minus strand). Cytogenetic location: 18q12.1.
Variant type: single nucleotide variant.
Coding change: c.1205G>A on transcript NM_024422.6 (MANE Select); coding-DNA position 1205, G replaced by A.
Protein change: p.Gly402Asp; replaces glycine 402 with aspartic acid.
Molecular consequence: missense variant.
Genome position (GRCh38, 1-based): chr18:31,082,296, C>T on the plus strand (G>A on the coding strand, the complement: DSC2 is on the minus strand). VCF-style: chr18-31082296-C-T. GRCh37 (hg19) VCF-style: chr18-28662262-C-T.
Other names: c.776G>A, p.Gly259Asp (NM_001406506.1, NM_001406507.1); c.1205G>A, p.Gly402Asp (NM_004949.5); short protein forms G259D, G402D.
Identifiers: ClinVar variation 3682472 (VCV003682472.2).
Genomic context (GRCh38, chr18:31,082,296, plus strand): 5'-ACCTTAACTACACAAAGAACTCCTTCATTGGTTTTGGCATCTGTTACAATTTTAAAATTG[C>T]CATTTTCATTGCCCTTTAAAATGGTATAATTAGCTCTCCAGTTAGCAGTATTCACTAAGT-3'
Protein context (NP_077740.1, residues 392-412): NYTILKGNEN[Gly402Asp]NFKIVTDAKT